The following is an entry in ClinVar:

ClinVar aggregate classification (germline): Pathogenic (1 of 4 stars; one submission).

Conditions:
Hermansky-Pudlak syndrome 3 (HPS3). Identifiers: Orphanet 231512, Orphanet 79430, MedGen C3888001, MONDO:0013555, OMIM 614072.

Submission:

Myriad Genetics, Inc.
Classification: Pathogenic for Hermansky-Pudlak syndrome 3. Last evaluated: 2024-05-14. Review status: criteria provided, single submitter. Criteria: Myriad Autosomal Dominant, Autosomal Recessive and X-Linked Classification Criteria (2023). Collection method: clinical testing. Allele origin: unknown.
Comment: NM_032383.3(HPS3):c.2579C>A(S860*) is expected to be pathogenic in the context of Hermansky-Pudlak syndrome, HPS3-related. This variant is predicted to lead to an abnormal or absent protein product due to the creation of a premature termination codon in HPS3, a gene where loss-of-function variants are known to be pathogenic. Please note: this variant was assessed in the context of healthy population screening.

NM_032383.5(HPS3):c.2579C>A (p.Ser860Ter)

Genes: CP (ceruloplasmin; minus strand), HPS3 (HPS3 biogenesis of lysosomal organelles complex 2 subunit 1; plus strand). Cytogenetic location: 3q24.
Variant type: single nucleotide variant.
Coding change: c.2579C>A on transcript NM_032383.5 (MANE Select); coding-DNA position 2579, C replaced by A.
Protein change: p.Ser860Ter; replaces serine 860 with a stop codon.
Molecular consequence: nonsense.
Genome position (GRCh38, 1-based): chr3:149,163,939, C>A. VCF-style: chr3-149163939-C-A. GRCh37 (hg19) VCF-style: chr3-148881726-C-A.
Other names: c.2084C>A, p.Ser695Ter (NM_001308258.2); short protein forms S695*, S860*.
Identifiers: ClinVar variation 5014527 (VCV005014527.1).